The following is an entry in ClinVar:

NM_000079.4(CHRNA1):c.190G>T (p.Asp64Tyr)

Gene: CHRNA1 (cholinergic receptor nicotinic alpha 1 subunit; minus strand). Cytogenetic location: 2q31.1.
Variant type: single nucleotide variant.
Coding change: c.190G>T on transcript NM_000079.4 (MANE Select); coding-DNA position 190, G replaced by T.
Protein change: p.Asp64Tyr; replaces aspartic acid 64 with tyrosine.
Molecular consequence: missense variant.
Genome position (GRCh38, 1-based): chr2:174,759,375, C>A on the plus strand (G>T on the coding strand, the complement: CHRNA1 is on the minus strand). VCF-style: chr2-174759375-C-A. GRCh37 (hg19) VCF-style: chr2-175624103-C-A.
Other names: c.190G>T, p.Asp64Tyr (NM_001039523.3); short protein forms D64Y.
Identifiers: ClinVar variation 3340621 (VCV003340621.1).

ClinVar aggregate classification (germline): Uncertain significance (1 of 4 stars; one submission).

Submission:

GeneDx
Classification: Uncertain significance. Last evaluated: 2023-09-19. Review status: criteria provided, single submitter. Criteria: GeneDx Variant Classification Process June 2021. Collection method: clinical testing. Allele origin: germline. Affected: yes.
Comment: Not observed at significant frequency in large population cohorts (gnomAD); In silico analysis supports that this missense variant has a deleterious effect on protein structure/function; Has not been previously published as pathogenic or benign to our knowledge